The following is an entry in ClinVar:

NM_032043.3(BRIP1):c.605T>C (p.Ile202Thr)

Gene: BRIP1 (BRCA1 interacting DNA helicase 1; minus strand). Cytogenetic location: 17q23.2.
Variant type: single nucleotide variant.
Coding change: c.605T>C on transcript NM_032043.3 (MANE Select); coding-DNA position 605, T replaced by C.
Protein change: p.Ile202Thr; replaces isoleucine 202 with threonine.
Molecular consequence: missense variant.
Genome position (GRCh38, 1-based): chr17:61,847,123, A>G on the plus strand (T>C on the coding strand, the complement: BRIP1 is on the minus strand). VCF-style: chr17-61847123-A-G. GRCh37 (hg19) VCF-style: chr17-59924484-A-G.
Other names: short protein forms I202T.
Identifiers: ClinVar variation 1751328 (VCV001751328.2), dbSNP rs2145742303, ClinGen allele CA400482879.

ClinVar aggregate classification (germline): Uncertain significance (1 of 4 stars; one submission).

Conditions:
Hereditary cancer-predisposing syndrome. Also called: Hereditary Cancer Syndrome; Hereditary neoplastic syndrome; Neoplastic Syndromes, Hereditary; Tumor predisposition. Identifiers: Orphanet 140162, MedGen C0027672, MeSH D009386, MONDO:0015356.

Submission:

Ambry Genetics
Classification: Uncertain significance for Hereditary cancer-predisposing syndrome. Last evaluated: 2020-09-09. Review status: criteria provided, single submitter. Criteria: Ambry Variant Classification Scheme 2023. Collection method: clinical testing. Allele origin: germline.
Comment: The p.I202T variant (also known as c.605T>C), located in coding exon 5 of the BRIP1 gene, results from a T to C substitution at nucleotide position 605. The isoleucine at codon 202 is replaced by threonine, an amino acid with similar properties. This amino acid position is not well conserved in available vertebrate species, and threonine is the reference amino acid in other vertebrate species. In addition, this alteration is predicted to be tolerated by in silico analysis. Since supporting evidence is limited at this time, the clinical significance of this alteration remains unclear.